The following is an entry in ClinVar:

ClinVar aggregate classification (germline): Likely pathogenic (1 of 4 stars; one submission).

Conditions:
Dilated cardiomyopathy 1G (CMD1G). Identifiers: Orphanet 154, MedGen C1858763, MONDO:0011400, OMIM 604145.
Autosomal recessive limb-girdle muscular dystrophy type 2J (LGMDR10). Also called: Limb-girdle muscular dystrophy, type 2J; MUSCULAR DYSTROPHY, LIMB-GIRDLE, AUTOSOMAL RECESSIVE 10. Identifiers: Orphanet 140922, MedGen C1837342, MONDO:0012127, OMIM 608807.

Submission:

Labcorp Genetics (formerly Invitae), Labcorp
Classification: Likely pathogenic for Dilated cardiomyopathy 1G; Autosomal recessive limb-girdle muscular dystrophy type 2J. Last evaluated: 2025-12-22. Review status: criteria provided, single submitter. Criteria: Invitae Variant Classification Sherloc (09022015). Collection method: clinical testing. Allele origin: germline.
Comment: This variant results in the deletion of part of exon 158 (c.35386+170_35397del) of the TTN gene. It is expected to disrupt RNA splicing and likely results in a truncated or disrupted TTN protein. This variant is not present in population databases (gnomAD no frequency). This variant has not been reported in the literature in individuals affected with TTN-related conditions. ClinVar contains an entry for this variant (Variation ID: 1978723). This variant is located in the I band of TTN (PMID: 25589632). Truncating variants in this region have been reported in individuals affected with autosomal recessive centronuclear myopathy (PMID: 23975875, internal data). Truncating variants in this region have also been identified in individuals affected with autosomal dominant dilated cardiomyopathy and/or cardio-related conditions (PMID: 27869827, 32964742, internal data). In summary, the currently available evidence indicates that the variant is pathogenic, but additional data are needed to prove that conclusively. Therefore, this variant has been classified as Likely Pathogenic.

Literature cited by the submitters: PubMed 25589632; PubMed 23975875; PubMed 27869827; PubMed 32964742.

NM_001267550.2(TTN):c.35386+170_35397del

Gene: TTN (titin; minus strand). Cytogenetic location: 2q31.2.
Variant type: Deletion.
Coding change: c.35386+170_35397del on transcript NM_001267550.2 (MANE Select); 170 bases into the intron after coding-DNA position 35386 through coding-DNA position 35397, 384 bases deleted.
Molecular consequence: splice acceptor variant. On other transcripts: intron variant (5).
Genome position (GRCh38, 1-based): chr2:178,669,665-178,670,048, 384 bases deleted. GRCh37 (hg19): chr2:179,534,393-179,534,776.
Other names: c.34264+170_34264+553del (NM_001256850.1); c.13283-27731_13283-27348del (NM_003319.4); c.13859-27731_13859-27348del (NM_133437.4); c.13658-27731_13658-27348del (NM_133432.3); c.31483+170_31483+553del (NM_133378.4).
Identifiers: ClinVar variation 1978723 (VCV001978723.4), dbSNP rs2473327597, ClinGen allele CA2580065003.